The following is an entry in ClinVar:

ClinVar aggregate classification (germline): Uncertain significance. Review status: criteria provided, multiple submitters, no conflicts (2 of 4 stars). 2 submissions from 2 submitters: Uncertain significance (2). Last evaluated 2025-12-08.

Conditions:
Charcot-Marie-Tooth disease axonal type 2Z. Also called: CHARCOT-MARIE-TOOTH DISEASE, AXONAL, AUTOSOMAL DOMINANT, TYPE 2Z; CHARCOT-MARIE-TOOTH NEUROPATHY, TYPE 2Z. Identifiers: Orphanet 466768, MedGen C5569025, MONDO:0014736, OMIM 616688.
Developmental delay, impaired growth, dysmorphic facies, and axonal neuropathy. Identifiers: MedGen C5436781, MONDO:0030835, OMIM 619090.

Allele frequency attached by ClinVar (database versions not stated): TOPMed 0.00001; gnomAD 0.00001; ExAC 0.00001.
gnomAD v4.1: 15 of 1,613,992 alleles (0.00093%); highest among the groups gnomAD compares: South Asian, 0.0022%; no homozygotes.

Submissions (2):

Labcorp Genetics (formerly Invitae), Labcorp
Classification: Uncertain significance for Charcot-Marie-Tooth disease axonal type 2Z. Last evaluated: 2025-12-08. Review status: criteria provided, single submitter. Criteria: Invitae Variant Classification Sherloc (09022015). Collection method: clinical testing. Allele origin: germline.
Comment: This sequence change replaces glutamic acid, which is acidic and polar, with lysine, which is basic and polar, at codon 984 of the MORC2 protein (p.Glu984Lys). This variant is present in population databases (rs773617883, gnomAD 0.004%). This variant has not been reported in the literature in individuals affected with MORC2-related conditions. ClinVar contains an entry for this variant (Variation ID: 2910880). Invitae Evidence Modeling of protein sequence and biophysical properties (such as structural, functional, and spatial information, amino acid conservation, physicochemical variation, residue mobility, and thermodynamic stability) indicates that this missense variant is expected to disrupt MORC2 protein function with a positive predictive value of 80%. In summary, the available evidence is currently insufficient to determine the role of this variant in disease. Therefore, it has been classified as a Variant of Uncertain Significance.

Genomic Medicine Center of Excellence, King Faisal Specialist Hospital and Research Centre
Classification: Uncertain significance for Developmental delay, impaired growth, dysmorphic facies, and axonal neuropathy. Last evaluated: 2024-12-18. Review status: criteria provided, single submitter. Criteria: ACMG Guidelines, 2015. Collection method: clinical testing. Allele origin: germline.

NM_001303256.3(MORC2):c.2950G>A (p.Glu984Lys)

Gene: MORC2 (MORC family CW-type zinc finger 2; minus strand). Cytogenetic location: 22q12.2.
Variant type: single nucleotide variant.
Coding change: c.2950G>A on transcript NM_001303256.3 (MANE Select); coding-DNA position 2950, G replaced by A.
Protein change: p.Glu984Lys; replaces glutamic acid 984 with lysine.
Molecular consequence: missense variant.
Genome position (GRCh38, 1-based): chr22:30,928,099, C>T on the plus strand (G>A on the coding strand, the complement: MORC2 is on the minus strand). VCF-style: chr22-30928099-C-T. GRCh37 (hg19) VCF-style: chr22-31324086-C-T.
Other names: c.2950G>A, p.Glu984Lys (NM_001303257.2); c.2764G>A, p.Glu922Lys (NM_014941.3); short protein forms E922K, E984K.
Identifiers: ClinVar variation 2910880 (VCV002910880.4), dbSNP rs773617883, ClinGen allele CA10186508.
Genomic context (GRCh38, chr22:30,928,099, plus strand): 5'-GTGCCACGATGTTGGTCCTCAGCTTCTGCAGCTTCTCCTCCGTCTCGCGGAGCTTCCTCT[C>T]GGAGGTGCGCAGGCTTTCCTCGGAGGCCTTGGCCCGGGAGTCAGCACGGCTCTGGTAGGA-3'
Protein context (NP_001290185.1, residues 974-994): KASEESLRTS[Glu984Lys]RKLRETEEKL